The following is an entry in ClinVar:

NM_004329.3(BMPR1A):c.1386G>C (p.Pro462=)

Gene: BMPR1A (bone morphogenetic protein receptor type 1A; plus strand). Cytogenetic location: 10q23.2.
Variant type: single nucleotide variant.
Coding change: c.1386G>C on transcript NM_004329.3 (MANE Select); coding-DNA position 1386, G replaced by C.
Protein change: p.Pro462=; no amino-acid change (proline 462 retained).
Molecular consequence: synonymous variant. On other transcripts: non-coding transcript variant (3).
Genome position (GRCh38, 1-based): chr10:86,923,419, G>C. VCF-style: chr10-86923419-G-C. GRCh37 (hg19) VCF-style: chr10-88683176-G-C.
Other names: c.1461G>C, p.Pro487= (NM_001406559.1); c.1434G>C, p.Pro478= (NM_001406560.1); c.1386G>C, p.Pro462= (NM_001406561.1, NM_001406562.1, NM_001406563.1 and 19 more transcripts); c.1380G>C, p.Pro460= (NM_001406583.1); c.1302G>C, p.Pro434= (NM_001406584.1, NM_001406585.1, NM_001406586.1 and 2 more transcripts); c.1044G>C, p.Pro348= (NM_001406589.1).
Identifiers: ClinVar variation 1771415 (VCV001771415.8), dbSNP rs751815388, ClinGen allele CA470308554.

ClinVar aggregate classification (germline): Benign/Likely benign. Review status: criteria provided, multiple submitters, no conflicts (2 of 4 stars). 4 submissions from 4 submitters: Benign (1); Likely benign (3). Last evaluated 2024-08-08.

Conditions:
Juvenile polyposis syndrome (JPS). Identifiers: Orphanet 2929, MedGen C0345893, MONDO:0017380, OMIM 174900.
Hereditary cancer-predisposing syndrome. Also called: Tumor predisposition; Neoplastic Syndromes, Hereditary; Hereditary Cancer Syndrome; Hereditary neoplastic syndrome. Identifiers: Orphanet 140162, MedGen C0027672, MeSH D009386, MONDO:0015356.

gnomAD v4.1: 6 of 1,614,162 alleles (0.00037%); highest among the groups gnomAD compares: Non-Finnish European, 0.00051%; no homozygotes.

Submissions (4):

Myriad Genetics, Inc.
Classification: Benign for Juvenile polyposis syndrome. Last evaluated: 2024-08-08. Review status: criteria provided, single submitter. Criteria: Myriad Autosomal Dominant, Autosomal Recessive and X-Linked Classification Criteria (2023). Collection method: clinical testing. Allele origin: unknown.
Comment: This variant is considered benign. This variant is a silent/synonymous amino acid change and it is not expected to impact splicing.

Color Diagnostics, LLC DBA Color Health
Classification: Likely benign for Hereditary cancer-predisposing syndrome. Last evaluated: 2023-05-31. Review status: criteria provided, single submitter. Criteria: ACMG Guidelines, 2015. Collection method: clinical testing. Allele origin: germline.

Labcorp Genetics (formerly Invitae), Labcorp
Classification: Likely benign for Juvenile polyposis syndrome. Last evaluated: 2023-05-10. Review status: criteria provided, single submitter. Criteria: Invitae Variant Classification Sherloc (09022015). Collection method: clinical testing. Allele origin: germline.

Ambry Genetics
Classification: Likely benign for Hereditary cancer-predisposing syndrome. Last evaluated: 2022-08-17. Review status: criteria provided, single submitter. Criteria: Ambry Variant Classification Scheme 2023. Collection method: clinical testing. Allele origin: germline.